The following is an entry in ClinVar:

ClinVar aggregate classification (germline): Uncertain significance. Review status: criteria provided, multiple submitters, no conflicts (2 of 4 stars). 2 submissions from 2 submitters: Uncertain significance (2). Last evaluated 2025-01-06.

Conditions:
Pure or complex autosomal recessive spastic paraplegia. Identifiers: Orphanet 320346, MedGen C5679887, MONDO:0017915.
ZFR-related disorder. Also called: ZFR-related condition.

Allele frequency attached by ClinVar (database versions not stated): ExAC 0.00001; gnomAD exomes 0.00002; gnomAD 0.00010; TOPMed 0.00021; 1000 Genomes Project 0.00040; 1000 Genomes Project 30x 0.00047.
gnomAD v4.1: 43 of 1,611,248 alleles (0.0027%); highest among the groups gnomAD compares: Admixed American, 0.03%; no homozygotes.

Submissions (2):

PreventionGenetics, part of Exact Sciences
Classification: Uncertain significance for ZFR-related condition. Last evaluated: 2025-01-06. Review status: criteria provided, single submitter. Criteria: ACMG Guidelines, 2015. Collection method: clinical testing. Allele origin: germline.
Comment: The ZFR c.3107C>T variant is predicted to result in the amino acid substitution p.Pro1036Leu. To our knowledge, this variant has not been reported in the literature. This variant is reported in 0.0089% of alleles in individuals of Latino descent in gnomAD. At this time, the clinical significance of this variant is uncertain due to the absence of conclusive functional and genetic evidence.

Labcorp Genetics (formerly Invitae), Labcorp
Classification: Uncertain significance for Pure or complex autosomal recessive spastic paraplegia. Last evaluated: 2022-07-09. Review status: criteria provided, single submitter. Criteria: Invitae Variant Classification Sherloc (09022015). Collection method: clinical testing. Allele origin: germline.
Comment: In summary, the available evidence is currently insufficient to determine the role of this variant in disease. Therefore, it has been classified as a Variant of Uncertain Significance. Algorithms developed to predict the effect of missense changes on protein structure and function are either unavailable or do not agree on the potential impact of this missense change (SIFT: "Deleterious"; PolyPhen-2: "Not Available"; Align-GVGD: "Class C15"). This variant has not been reported in the literature in individuals affected with ZFR-related conditions. This variant is present in population databases (rs188587725, gnomAD 0.006%). This sequence change replaces proline, which is neutral and non-polar, with leucine, which is neutral and non-polar, at codon 1036 of the ZFR protein (p.Pro1036Leu).

NM_016107.5(ZFR):c.3107C>T (p.Pro1036Leu)

Gene: ZFR (zinc finger RNA binding protein; minus strand). Cytogenetic location: 5p13.3.
Variant type: single nucleotide variant.
Coding change: c.3107C>T on transcript NM_016107.5 (MANE Select); coding-DNA position 3107, C replaced by T.
Protein change: p.Pro1036Leu; replaces proline 1036 with leucine.
Molecular consequence: missense variant. On other transcripts: non-coding transcript variant (1).
Genome position (GRCh38, 1-based): chr5:32,355,878, G>A on the plus strand (C>T on the coding strand, the complement: ZFR is on the minus strand). VCF-style: chr5-32355878-G-A. GRCh37 (hg19) VCF-style: chr5-32355984-G-A.
Other names: c.3107C>T (NM_016107.4); short protein forms P1036L.
Identifiers: ClinVar variation 2052707 (VCV002052707.5), dbSNP rs188587725, ClinGen allele CA3221434.